The following is an entry in ClinVar:

NM_016333.4(SRRM2):c.741-6C>T

Gene: SRRM2 (serine/arginine repetitive matrix 2; plus strand). Cytogenetic location: 16p13.3.
Variant type: single nucleotide variant.
Coding change: c.741-6C>T on transcript NM_016333.4 (MANE Select); 6 bases into the intron before coding-DNA position 741, C replaced by T.
Molecular consequence: intron variant.
Genome position (GRCh38, 1-based): chr16:2,759,563, C>T. VCF-style: chr16-2759563-C-T. GRCh37 (hg19) VCF-style: chr16-2809564-C-T.
Identifiers: ClinVar variation 4856926 (VCV004856926.2).

ClinVar aggregate classification (germline): Likely benign (1 of 4 stars; one submission).

gnomAD v4.1: 4 of 1,613,990 alleles (0.00025%); highest among the groups gnomAD compares: Admixed American, 0.0033%; no homozygotes.

Submission:

Dasa
Classification: Likely benign. Last evaluated: 2026-02-17. Review status: criteria provided, single submitter. Criteria: DASA Assertion Criteria. Collection method: clinical testing. Allele origin: germline.
Comment: NM_016333.4(SRRM2):c.741-6C>T is a splice-region variant. The variant context is inconsistent with a known disease-causing mechanism. Computational prediction algorithms are consistent with a benign effect. Therefore, based on the currently available evidence, this variant is classified as likely benign.